The following is an entry in ClinVar:

ClinVar aggregate classification (germline): Likely benign (0 of 4 stars; one submission).

Conditions:
MLF1-related disorder. Also called: MLF1-related condition.

gnomAD v4.1: 15 of 1,555,002 alleles (0.00096%); highest among the groups gnomAD compares: South Asian, 0.017%; no homozygotes.

Submission:

PreventionGenetics, part of Exact Sciences
Classification: Likely benign for MLF1-related condition. Last evaluated: 2020-03-03. Review status: no assertion criteria provided. Collection method: clinical testing. Allele origin: germline.
Comment: This variant is classified as likely benign based on ACMG/AMP sequence variant interpretation guidelines (Richards et al. 2015 PMID: 25741868, with internal and published modifications).

NM_001369783.1(MLF1):c.201G>T (p.Thr67=)

Gene: MLF1 (myeloid leukemia factor 1; plus strand). Cytogenetic location: 3q25.32.
Variant type: single nucleotide variant.
Coding change: c.201G>T on transcript NM_001369783.1 (MANE Select); coding-DNA position 201, G replaced by T.
Protein change: p.Thr67=; no amino-acid change (threonine 67 retained).
Molecular consequence: synonymous variant. On other transcripts: intron variant (15).
Genome position (GRCh38, 1-based): chr3:158,593,387, G>T. VCF-style: chr3-158593387-G-T. GRCh37 (hg19) VCF-style: chr3-158311176-G-T.
Other names: c.126G>T, p.Thr42= (NM_001195432.4, NM_001195434.2, NM_001369785.1 and 1 more transcripts); c.120+806G>T (NM_001378848.1, NM_001378847.1, NM_001130157.3 and 5 more transcripts); c.61-3475G>T (NM_001369781.1); c.112-3475G>T (NM_001378851.1); c.121-3475G>T (NM_001378850.1); c.195+806G>T (NM_022443.5, NM_001378845.1, NM_001378852.1); c.-27-3475G>T (NM_001369782.1).
Identifiers: ClinVar variation 3058750 (VCV003058750.2), dbSNP rs779983108, ClinGen allele CA436472337.